The following is an entry in ClinVar:

NM_003194.5(TBP):c.225GCA[7] (p.Gln84_Gln95del)

Genes: TBP (TATA-box binding protein; plus strand), LOC108663996 (TATA-box binding protein repeat instability region; plus strand). Cytogenetic location: 6q27.
Variant type: Microsatellite.
Coding change: c.225GCA[7] on transcript NM_003194.5 (MANE Select); seven copies in a row of the 3-base unit GCA starting at c.225; the reference has 19 copies in a row; 12 copies, 36 bases deleted.
Protein change: p.Gln84_Gln95del.
Molecular consequence: inframe deletion.
Genome position (GRCh38, 1-based): chr6:170,561,982-170,562,017, 36 bases deleted; deleting any 36 consecutive bases within chr6:170,561,959-170,562,017 gives the same sequence; the position shown is the placement nearest the transcript's 3' end. GRCh37 (hg19), VCF-style position (the base before the change): chr6:170,871,046.
Other names: c.165GCA[7], p.Gln64_Gln75del (NM_001172085.2).
Identifiers: ClinVar variation 2657160 (VCV002657160.24), dbSNP rs752404282, ClinGen allele CA1097314467.
Genomic context (GRCh38, chr6:170,561,958, plus strand): 5'-GCAACAAAGGCAGCAGCAGCAACAACAACAGCAGCAGCAGCAGCAGCAGCAGCAACAGCA[ACAGCAGCAGCAGCAGCAGCAGCAGCAGCAGCAGCAG>A]CAGCAGCAGCAGCAGCAGCAGCAACAGGCAGTGGCAGCTGCAGCCGTTCAGCAGTCAACG-3'

ClinVar aggregate classification (germline): Benign (1 of 4 stars; one submission).

Submission:

CeGaT Center for Human Genetics Tuebingen
Classification: Benign. Last evaluated: 2026-06-01. Review status: criteria provided, single submitter. Criteria: CeGaT Center For Human Genetics Tuebingen Variant Classification Criteria Version 2. Collection method: clinical testing. Allele origin: germline. Affected: yes. Observed: 5 variant alleles.
Comment: TBP: BS1, BS2